The following is an entry in ClinVar:

NM_002181.4(IHH):c.811C>T (p.Leu271Phe)

Gene: IHH (Indian hedgehog signaling molecule; minus strand). Cytogenetic location: 2q35.
Variant type: single nucleotide variant.
Coding change: c.811C>T on transcript NM_002181.4 (MANE Select); coding-DNA position 811, C replaced by T.
Protein change: p.Leu271Phe; replaces leucine 271 with phenylalanine.
Molecular consequence: missense variant.
Genome position (GRCh38, 1-based): chr2:219,055,632, G>A on the plus strand (C>T on the coding strand, the complement: IHH is on the minus strand). VCF-style: chr2-219055632-G-A. GRCh37 (hg19) VCF-style: chr2-219920354-G-A.
Other names: short protein forms L271F.
Identifiers: ClinVar variation 4737578 (VCV004737578.1).

ClinVar aggregate classification (germline): Uncertain significance (1 of 4 stars; one submission).

Submission:

Labcorp Genetics (formerly Invitae), Labcorp
Classification: Uncertain significance. Last evaluated: 2025-07-08. Review status: criteria provided, single submitter. Criteria: Invitae Variant Classification Sherloc (09022015). Collection method: clinical testing. Allele origin: germline.
Comment: This sequence change replaces leucine, which is neutral and non-polar, with phenylalanine, which is neutral and non-polar, at codon 271 of the IHH protein (p.Leu271Phe). This variant is not present in population databases (gnomAD no frequency). This missense change has been observed in individual(s) with brachydactyly (PMID: 29758562). Invitae Evidence Modeling of protein sequence and biophysical properties (such as structural, functional, and spatial information, amino acid conservation, physicochemical variation, residue mobility, and thermodynamic stability) indicates that this missense variant is expected to disrupt IHH protein function with a positive predictive value of 80%. In summary, the available evidence is currently insufficient to determine the role of this variant in disease. Therefore, it has been classified as a Variant of Uncertain Significance.

Literature cited by the submitters: PubMed 29758562.